The following is an entry in ClinVar:

ClinVar aggregate classification (germline): Uncertain significance. Review status: criteria provided, multiple submitters, no conflicts (2 of 4 stars). 2 submissions from 2 submitters: Uncertain significance (2). Last evaluated 2026-08-27.

Conditions:
MEPE-related disorder. Also called: MEPE-related condition.

gnomAD v4.1: 43 of 1,613,734 alleles (0.0027%); highest among the groups gnomAD compares: South Asian, 0.02%; no homozygotes.

Submissions (2):

PreventionGenetics, part of Exact Sciences
Classification: Uncertain significance for MEPE-related condition. Last evaluated: 2026-08-27. Review status: criteria provided, single submitter. Criteria: ACMG Guidelines, 2015. Collection method: clinical testing. Allele origin: germline.
Comment: The MEPE c.665C>T variant is predicted to result in the amino acid substitution p.Ser222Leu. To our knowledge, this variant has not been reported in the literature. This variant is reported in 0.026% of alleles in individuals of South Asian descent in gnomAD. At this time, the clinical significance of this variant is uncertain due to the absence of conclusive functional and genetic evidence.

Ambry Genetics
Classification: Uncertain significance. Last evaluated: 2025-01-09. Review status: criteria provided, single submitter. Criteria: Ambry Variant Classification Scheme 2023. Collection method: clinical testing. Allele origin: germline.

NM_020203.6(MEPE):c.572C>T (p.Ser191Leu)

Genes: MEPE (matrix extracellular phosphoglycoprotein; plus strand), MEPE-AS1 (MEPE and IBSP antisense RNA 1; minus strand). Cytogenetic location: 4q22.1.
Variant type: single nucleotide variant.
Coding change: c.572C>T on transcript NM_020203.6 (MANE Select); coding-DNA position 572, C replaced by T.
Protein change: p.Ser191Leu; replaces serine 191 with leucine.
Molecular consequence: missense variant.
Genome position (GRCh38, 1-based): chr4:87,845,440, C>T. VCF-style: chr4-87845440-C-T. GRCh37 (hg19) VCF-style: chr4-88766592-C-T.
Other names: c.572C>T, p.Ser191Leu (NM_001184694.3); c.233C>T, p.Ser78Leu (NM_001184695.4, NM_001184696.2, NM_001184697.2); c.665C>T, p.Ser222Leu (NM_001291183.2); c.665C>T (NM_001291183.1); short protein forms S191L, S222L, S78L.
Identifiers: ClinVar variation 3872286 (VCV003872286.2).